The following is an entry in ClinVar:

NM_000179.3(MSH6):c.3858C>G (p.Leu1286=)

Gene: MSH6 (mutS homolog 6; plus strand). Cytogenetic location: 2p16.3.
Variant type: single nucleotide variant.
Coding change: c.3858C>G on transcript NM_000179.3 (MANE Select); coding-DNA position 3858, C replaced by G.
Protein change: p.Leu1286=; no amino-acid change (leucine 1286 retained).
Molecular consequence: synonymous variant.
Genome position (GRCh38, 1-based): chr2:47,806,508, C>G. VCF-style: chr2-47806508-C-G. GRCh37 (hg19) VCF-style: chr2-48033647-C-G.
Other names: c.3468C>G, p.Leu1156= (NM_001281492.2); c.2952C>G, p.Leu984= (NM_001281493.2, NM_001281494.2).
Identifiers: ClinVar variation 485865 (VCV000485865.11), dbSNP rs1553333468, ClinGen allele CA426122126.

ClinVar aggregate classification (germline): Benign/Likely benign. Review status: criteria provided, multiple submitters, no conflicts (2 of 4 stars). 3 submissions from 3 submitters: Benign (1); Likely benign (2). Last evaluated 2025-01-08.

Conditions:
Hereditary nonpolyposis colorectal neoplasms. Identifiers: MedGen C0009405, MeSH D003123.
Hereditary cancer-predisposing syndrome. Also called: Tumor predisposition; Hereditary Cancer Syndrome; Hereditary neoplastic syndrome; Neoplastic Syndromes, Hereditary. Identifiers: Orphanet 140162, MedGen C0027672, MeSH D009386, MONDO:0015356.
Lynch syndrome 5 (LYNCH5). Also called: Hereditary non-polyposis colorectal cancer, type 5; Colorectal cancer, hereditary nonpolyposis, type 5. Identifiers: Orphanet 144, MedGen C1833477, MONDO:0013710, OMIM 614350. Disease mechanism: loss of function.

Submissions (3):

Myriad Genetics, Inc.
Classification: Benign for Lynch syndrome 5. Last evaluated: 2025-01-08. Review status: criteria provided, single submitter. Criteria: Myriad Autosomal Dominant, Autosomal Recessive and X-Linked Classification Criteria (2023). Collection method: clinical testing. Allele origin: unknown.
Comment: This variant is considered benign. This variant is a silent/synonymous amino acid change and it is not expected to impact splicing.

Labcorp Genetics (formerly Invitae), Labcorp
Classification: Likely benign for Hereditary nonpolyposis colorectal neoplasms. Last evaluated: 2022-08-06. Review status: criteria provided, single submitter. Criteria: Invitae Variant Classification Sherloc (09022015). Collection method: clinical testing. Allele origin: germline.

Ambry Genetics
Classification: Likely benign for Hereditary cancer-predisposing syndrome. Last evaluated: 2016-03-21. Review status: criteria provided, single submitter. Criteria: Ambry Variant Classification Scheme 2023. Collection method: clinical testing. Allele origin: germline.